The following is an entry in ClinVar:

ClinVar aggregate classification (germline): Uncertain significance (1 of 4 stars; one submission).

Conditions:
Hereditary cancer-predisposing syndrome. Also called: Hereditary Cancer Syndrome; Hereditary neoplastic syndrome; Neoplastic Syndromes, Hereditary; Tumor predisposition. Identifiers: Orphanet 140162, MedGen C0027672, MeSH D009386, MONDO:0015356.

Submission:

Ambry Genetics
Classification: Uncertain significance for Hereditary cancer-predisposing syndrome. Last evaluated: 2025-06-30. Review status: criteria provided, single submitter. Criteria: Ambry Variant Classification Scheme 2023. Collection method: clinical testing. Allele origin: germline.
Comment: The p.C176S variant (also known as c.526T>A), located in coding exon 1 of the GREM1 gene, results from a T to A substitution at nucleotide position 526. The cysteine at codon 176 is replaced by serine, an amino acid with dissimilar properties. This amino acid position is conserved. In addition, this alteration is predicted to be deleterious by in silico analysis. Based on the available evidence, the clinical significance of this variant remains unclear.

NM_013372.7(GREM1):c.526T>A (p.Cys176Ser)

Gene: GREM1 (gremlin 1, DAN family BMP antagonist; plus strand). Cytogenetic location: 15q13.3.
Variant type: single nucleotide variant.
Coding change: c.526T>A on transcript NM_013372.7 (MANE Select); coding-DNA position 526, T replaced by A.
Protein change: p.Cys176Ser; replaces cysteine 176 with serine.
Molecular consequence: missense variant.
Genome position (GRCh38, 1-based): chr15:32,731,216, T>A. VCF-style: chr15-32731216-T-A. GRCh37 (hg19) VCF-style: chr15-33023417-T-A.
Other names: c.316T>A, p.Cys106Ser (NM_001191322.2); c.403T>A, p.Cys135Ser (NM_001191323.2); c.526T>A, p.Cys176Ser (NM_001368719.1); short protein forms C135S, C176S, C106S.
Identifiers: ClinVar variation 4266786 (VCV004266786.1).
Genomic context (GRCh38, chr15:32,731,216, plus strand): 5'-CTCAACTGCCCTGAACTACAGCCACCTACCAAGAAGAAGAGAGTCACACGTGTGAAGCAG[T>A]GTCGTTGCATATCCATCGATTTGGATTAAGCCAAATCCAGGTGCACCCAGCATGTCCTAG-3'
Protein context (NP_037504.1, residues 166-184): KKKRVTRVKQ[Cys176Ser]RCISIDLD